The following is an entry in ClinVar:

NM_001085487.3(MYSM1):c.498G>A (p.Lys166=)

Gene: MYSM1 (Myb like, SWIRM and MPN domains 1; minus strand). Cytogenetic location: 1p32.1.
Variant type: single nucleotide variant.
Coding change: c.498G>A on transcript NM_001085487.3 (MANE Select); coding-DNA position 498, G replaced by A.
Protein change: p.Lys166=; no amino-acid change (lysine 166 retained).
Molecular consequence: synonymous variant.
Genome position (GRCh38, 1-based): chr1:58,685,153, C>T on the plus strand (G>A on the coding strand, the complement: MYSM1 is on the minus strand). VCF-style: chr1-58685153-C-T. GRCh37 (hg19) VCF-style: chr1-59150825-C-T.
Identifiers: ClinVar variation 2702977 (VCV002702977.3), dbSNP rs2524306570, ClinGen allele CA417986563.
Genomic context (GRCh38, chr1:58,685,153, plus strand): 5'-TTCTGCTTAGTTTTTTCTAAATATTATCATTATTAACCAGGATACTGATATTCTGCTTAC[C>T]TTATTTTTAAAATACTGTCTTGCATAACTCTTCACTTGTAAAACAGTGCGGCTTCCAATT-3'
Protein context (NP_001078956.1, residues 156-176): KSYARQYFKN[Lys166=]VKCGLDKETP

ClinVar aggregate classification (germline): Uncertain significance (1 of 4 stars; one submission).

Submission:

Labcorp Genetics (formerly Invitae), Labcorp
Classification: Uncertain significance. Last evaluated: 2024-04-22. Review status: criteria provided, single submitter. Criteria: Invitae Variant Classification Sherloc (09022015). Collection method: clinical testing. Allele origin: germline.
Comment: This sequence change affects codon 166 of the MYSM1 mRNA. It is a 'silent' change, meaning that it does not change the encoded amino acid sequence of the MYSM1 protein. This variant also falls at the last nucleotide of exon 7, which is part of the consensus splice site for this exon. This variant is not present in population databases (gnomAD no frequency). This variant has not been reported in the literature in individuals affected with MYSM1-related conditions. Variants that disrupt the consensus splice site are a relatively common cause of aberrant splicing (PMID: 17576681, 9536098). Algorithms developed to predict the effect of sequence changes on RNA splicing suggest that this variant is not likely to affect RNA splicing. In summary, the available evidence is currently insufficient to determine the role of this variant in disease. Therefore, it has been classified as a Variant of Uncertain Significance.

Literature cited by the submitters: PubMed 17576681; PubMed 9536098.